The following is an entry in ClinVar:

NM_032601.4(MCEE):c.419dup (p.Lys141fs)

Gene: MCEE (methylmalonyl-CoA epimerase; minus strand). Cytogenetic location: 2p13.3.
Variant type: Duplication.
Coding change: c.419dup on transcript NM_032601.4 (MANE Select); coding-DNA position 419, one base duplicated (A; older notation c.419dupA).
Protein change: p.Lys141fs; shifts the reading frame from lysine 141.
Molecular consequence: frameshift variant.
Genome position (GRCh38, 1-based): chr2:71,110,082, T duplicated on the plus strand (A on the coding strand, the reverse complement: MCEE is on the minus strand); the first of 8 consecutive T bases (chr2:71,110,082-71,110,089); duplicating any one gives the same sequence. VCF-style (leftmost placement, unchanged base first): chr2-71110081-C-CT. GRCh37 (hg19) VCF-style: chr2-71337211-C-CT.
Other names: c.419dupA (NM_032601.3); short protein forms K141fs.
Identifiers: ClinVar variation 1683383 (VCV001683383.2), dbSNP rs776473131, ClinGen allele CA49687483.
Genomic context (GRCh38, chr2:71,110,081, plus strand): 5'-AAAAATCACTGGTTTTCCATGTGCTCCTATTTTGACCTCTTCACTTAGACTGCGGATCTT[C>CT]TTTTTTTTCAAATCCATCACAGCTGCATTAATATTATCCACCTTAAGAAAGGGAAATAAA-3'

ClinVar aggregate classification (germline): Uncertain significance (1 of 4 stars; one submission).

Submission:

Women's Health and Genetics/Laboratory Corporation of America, LabCorp
Classification: Uncertain significance. Last evaluated: 2022-04-11. Review status: criteria provided, single submitter. Criteria: LabCorp Variant Classification Summary - May 2015. Collection method: clinical testing. Allele origin: germline.
Comment: Variant summary: MCEE c.419dupA (p.Lys141GlufsX7) results in a premature termination codon, predicted to cause a truncation of the encoded protein or absence of the protein due to nonsense mediated decay. A truncating mutation located in close proximity to the current variant (p.Lys140Argfs*6) has been reported in HGMD in association with Parkinson disease, dementia, stroke and elevated levels of methylmalonic acid. While the current variant may not result in NMD, it alters several amino acids located in the Vicinal oxygen chelate (VOC) domain (Interpro). It is unclear what impact the variant will have on the function of this protein. The variant was absent in 250236 control chromosomes. To our knowledge, no occurrence of c.419dupA in individuals affected with Methylmalonic Acidemia and no experimental evidence demonstrating its impact on protein function have been reported. No clinical diagnostic laboratories have submitted clinical-significance assessments for this variant to ClinVar after 2014. Based on the evidence outlined above, the variant was classified as VUS - possibly pathogenic.